The following is an entry in ClinVar:

NM_138694.4(PKHD1):c.6683-2A>C

Gene: PKHD1 (PKHD1 ciliary IPT domain containing fibrocystin/polyductin; minus strand). Cytogenetic location: 6p12.2.
Variant type: single nucleotide variant.
Coding change: c.6683-2A>C on transcript NM_138694.4 (MANE Select); the canonical splice acceptor site of the intron before coding-DNA position 6683, A replaced by C.
Molecular consequence: splice acceptor variant.
Genome position (GRCh38, 1-based): chr6:51,906,342, T>G on the plus strand (A>C on the coding strand, the complement: PKHD1 is on the minus strand). VCF-style: chr6-51906342-T-G. GRCh37 (hg19) VCF-style: chr6-51771140-T-G.
Other names: c.6683-2A>C (NM_170724.3).
Identifiers: ClinVar variation 1068111 (VCV001068111.7), dbSNP rs2127637373, ClinGen allele CA364433356.

ClinVar aggregate classification (germline): Likely pathogenic (1 of 4 stars; one submission).

Conditions:
Autosomal recessive polycystic kidney disease (ARPKD). Also called: AR polycystic kidney disease. Identifiers: Orphanet 731, Orphanet 8378, MedGen C0085548, MeSH D017044, MONDO:0009889.

Submission:

Labcorp Genetics (formerly Invitae), Labcorp
Classification: Likely pathogenic for Autosomal recessive polycystic kidney disease. Last evaluated: 2020-06-22. Review status: criteria provided, single submitter. Criteria: Invitae Variant Classification Sherloc (09022015). Collection method: clinical testing. Allele origin: germline.
Comment: In summary, the currently available evidence indicates that the variant is pathogenic, but additional data are needed to prove that conclusively. Therefore, this variant has been classified as Likely Pathogenic. Donor and acceptor splice site variants typically lead to a loss of protein function (PMID: 16199547), and loss-of-function variants in PKHD1 are known to be pathogenic (PMID: 19940839). Algorithms developed to predict the effect of sequence changes on RNA splicing suggest that this variant may disrupt the consensus splice site, but this prediction has not been confirmed by published transcriptional studies. This variant has not been reported in the literature in individuals with PKHD1-related conditions. This variant is not present in population databases (ExAC no frequency). This sequence change affects an acceptor splice site in intron 40 of the PKHD1 gene. It is expected to disrupt RNA splicing and likely results in an absent or disrupted protein product.

Literature cited by the submitters: PubMed 16199547; PubMed 19940839.